The following is an entry in ClinVar:

ClinVar aggregate classification (germline): Uncertain significance (1 of 4 stars; one submission).

Submission:

Women's Health and Genetics/Laboratory Corporation of America, LabCorp
Classification: Uncertain significance. Last evaluated: 2025-03-28. Review status: criteria provided, single submitter. Criteria: LabCorp Variant Classification Summary - May 2015. Collection method: clinical testing. Allele origin: germline.
Comment: Variant summary: AP3B1 c.1019T>C (p.Val340Ala) results in a non-conservative amino acid change in the encoded protein sequence. Three of five in-silico tools predict a damaging effect of the variant on protein function. The variant was absent in 251330 control chromosomes. The available data on variant occurrences in the general population are insufficient to allow any conclusion about variant significance. To our knowledge, no occurrence of c.1019T>C in individuals affected with Hermansky-Pudlak Syndrome and no experimental evidence demonstrating its impact on protein function have been reported. No submitters have cited clinical-significance assessments for this variant to ClinVar. Based on the evidence outlined above, the variant was classified as uncertain significance.

NM_003664.5(AP3B1):c.1019T>C (p.Val340Ala)

Gene: AP3B1 (adaptor related protein complex 3 subunit beta 1; minus strand). Cytogenetic location: 5q14.1.
Variant type: single nucleotide variant.
Coding change: c.1019T>C on transcript NM_003664.5 (MANE Select); coding-DNA position 1019, T replaced by C.
Protein change: p.Val340Ala; replaces valine 340 with alanine.
Molecular consequence: missense variant.
Genome position (GRCh38, 1-based): chr5:78,177,360, A>G on the plus strand (T>C on the coding strand, the complement: AP3B1 is on the minus strand). VCF-style: chr5-78177360-A-G. GRCh37 (hg19) VCF-style: chr5-77473184-A-G.
Other names: c.872T>C, p.Val291Ala (NM_001271769.2); c.1019T>C, p.Val340Ala (NM_001410752.1); short protein forms V291A, V340A.
Identifiers: ClinVar variation 3895781 (VCV003895781.1).